The following is an entry in ClinVar:

NM_003560.4(PLA2G6):c.448G>A (p.Glu150Lys)

Gene: PLA2G6 (phospholipase A2 group VI; minus strand). Cytogenetic location: 22q13.1.
Variant type: single nucleotide variant.
Coding change: c.448G>A on transcript NM_003560.4 (MANE Select); coding-DNA position 448, G replaced by A.
Protein change: p.Glu150Lys; replaces glutamic acid 150 with lysine.
Molecular consequence: missense variant. On other transcripts: 5 prime UTR variant (3).
Genome position (GRCh38, 1-based): chr22:38,143,266, C>T on the plus strand (G>A on the coding strand, the complement: PLA2G6 is on the minus strand). VCF-style: chr22-38143266-C-T. GRCh37 (hg19) VCF-style: chr22-38539273-C-T.
Other names: c.448G>A, p.Glu150Lys (NM_001004426.3, NM_001199562.3, NM_001349864.2 and 2 more transcripts); c.-87G>A (NM_001349867.2, NM_001349869.2); c.-43G>A (NM_001349868.2); short protein forms E150K.
Identifiers: ClinVar variation 903482 (VCV000903482.12), dbSNP rs777548266, ClinGen allele CA10231247.

ClinVar aggregate classification (germline): Uncertain significance. Review status: criteria provided, multiple submitters, no conflicts (2 of 4 stars). 3 submissions from 3 submitters: Uncertain significance (3). Last evaluated 2025-01-29.

Conditions:
PLA2G6-associated neurodegeneration (PLAN). Also called: phospholipase A2-associated neurodegeneration. Identifiers: Orphanet 329303, MedGen CN204472, MONDO:0017998.
Infantile neuroaxonal dystrophy (NBIA2A). Also called: SEITELBERGER DISEASE; NEURODEGENERATION WITH BRAIN IRON ACCUMULATION 2A; Infantile neuroaxonal dystrophy 1. Identifiers: Orphanet 35069, MedGen C0270724, MONDO:0024457, OMIM 256600.

Allele frequency attached by ClinVar (database versions not stated): ExAC 0.00004; TOPMed 0.00001; gnomAD exomes 0.00005 and 0.00004; gnomAD 0.00003.
gnomAD v4.1: 64 of 1,613,022 alleles (0.004%); highest among the groups gnomAD compares: Middle Eastern, 0.016%; no homozygotes.

Submissions (3):

GeneDx
Classification: Uncertain significance. Last evaluated: 2025-01-29. Review status: criteria provided, single submitter. Criteria: GeneDx Variant Classification Process June 2021. Collection method: clinical testing. Allele origin: germline. Affected: yes.
Comment: Reported previously in multiple members of a family with early onset Parkinson disease; however, only one of these members was reported to have symptoms and variants in other genes related to Parkinson disease were also reported (PMID: 33154736); In silico analysis supports that this missense variant does not alter protein structure/function; This variant is associated with the following publications: (PMID: 33154736)

Labcorp Genetics (formerly Invitae), Labcorp
Classification: Uncertain significance for Infantile neuroaxonal dystrophy. Last evaluated: 2022-10-24. Review status: criteria provided, single submitter. Criteria: Invitae Variant Classification Sherloc (09022015). Collection method: clinical testing. Allele origin: germline.
Comment: This sequence change replaces glutamic acid, which is acidic and polar, with lysine, which is basic and polar, at codon 150 of the PLA2G6 protein (p.Glu150Lys). The frequency data for this variant in the population databases is considered unreliable, as metrics indicate poor data quality at this position in the gnomAD database. This variant has not been reported in the literature in individuals affected with PLA2G6-related conditions. ClinVar contains an entry for this variant (Variation ID: 903482). Advanced modeling of protein sequence and biophysical properties (such as structural, functional, and spatial information, amino acid conservation, physicochemical variation, residue mobility, and thermodynamic stability) performed at Invitae indicates that this missense variant is not expected to disrupt PLA2G6 protein function. In summary, the available evidence is currently insufficient to determine the role of this variant in disease. Therefore, it has been classified as a Variant of Uncertain Significance.

Illumina Laboratory Services, Illumina
Classification: Uncertain significance for PLA2G6-associated neurodegeneration. Last evaluated: 2018-01-13. Review status: criteria provided, single submitter. Criteria: ICSL Variant Classification Criteria 13 December 2019. Collection method: clinical testing. Allele origin: germline.